The following is an entry in ClinVar:

NM_022124.6(CDH23):c.8255G>A (p.Gly2752Asp)

Gene: CDH23 (cadherin related 23; plus strand). Cytogenetic location: 10q22.1.
Variant type: single nucleotide variant.
Coding change: c.8255G>A on transcript NM_022124.6 (MANE Select); coding-DNA position 8255, G replaced by A.
Protein change: p.Gly2752Asp; replaces glycine 2752 with aspartic acid.
Molecular consequence: missense variant.
Genome position (GRCh38, 1-based): chr10:71,807,353, G>A. VCF-style: chr10-71807353-G-A. GRCh37 (hg19) VCF-style: chr10-73567110-G-A.
Other names: c.1535G>A, p.Gly512Asp (NM_001171933.1, NM_001171934.1); short protein forms G2752D, G512D.
Identifiers: ClinVar variation 2118089 (VCV002118089.4), dbSNP rs1187140238, ClinGen allele CA377131065.
Genomic context (GRCh38, chr10:71,807,353, plus strand): 5'-ACCAGCTGCTGACAGTGCCTGAGCACTCACCACGCGGCACCCTCGTGGGCAACGTGACAG[G>A]CGCAGTGGATGCAGATGAGGGCCCCAACGCGATCGTGTACTACTTCATCGCAGGTGGGGC-3'
Protein context (NP_071407.4, residues 2742-2762): PRGTLVGNVT[Gly2752Asp]AVDADEGPNA

ClinVar aggregate classification (germline): Uncertain significance (1 of 4 stars; one submission).

Allele frequency attached by ClinVar (database versions not stated): gnomAD exomes below 0.00001.
gnomAD v4.1: 1 of 1,613,908 alleles (0.000062%); highest among the groups gnomAD compares: Non-Finnish European, 0.000085%; no homozygotes.

Submission:

Labcorp Genetics (formerly Invitae), Labcorp
Classification: Uncertain significance. Last evaluated: 2026-01-05. Review status: criteria provided, single submitter. Criteria: Invitae Variant Classification Sherloc (09022015). Collection method: clinical testing. Allele origin: germline.
Comment: This sequence change replaces glycine, which is neutral and non-polar, with aspartic acid, which is acidic and polar, at codon 2752 of the CDH23 protein (p.Gly2752Asp). This variant is present in population databases (no rsID available, gnomAD 0.0009%). This variant has not been reported in the literature in individuals affected with CDH23-related conditions. ClinVar contains an entry for this variant (Variation ID: 2118089). Invitae Evidence Modeling of protein sequence and biophysical properties (such as structural, functional, and spatial information, amino acid conservation, physicochemical variation, residue mobility, and thermodynamic stability) has been performed for this missense variant. However, the output from this modeling did not meet the statistical confidence thresholds required to predict the impact of this variant on CDH23 protein function. In summary, the available evidence is currently insufficient to determine the role of this variant in disease. Therefore, it has been classified as a Variant of Uncertain Significance.